The following is an entry in ClinVar:

NM_021922.3(FANCE):c.189G>T (p.Leu63Phe)

Genes: FANCE (FA complementation group E; plus strand), LOC129996245 (ATAC-STARR-seq lymphoblastoid silent region 17092; plus strand). Cytogenetic location: 6p21.31.
Variant type: single nucleotide variant.
Coding change: c.189G>T on transcript NM_021922.3 (MANE Select); coding-DNA position 189, G replaced by T.
Protein change: p.Leu63Phe; replaces leucine 63 with phenylalanine.
Molecular consequence: missense variant.
Genome position (GRCh38, 1-based): chr6:35,452,734, G>T. VCF-style: chr6-35452734-G-T. GRCh37 (hg19) VCF-style: chr6-35420511-G-T.
Other names: short protein forms L63F.
Identifiers: ClinVar variation 1484876 (VCV001484876.6), dbSNP rs2150885989, ClinGen allele CA363770638.

ClinVar aggregate classification (germline): Uncertain significance (1 of 4 stars; one submission).

Conditions:
Fanconi anemia complementation group E (FANCE). Also called: FANCE-Related Fanconi Anemia. Identifiers: Orphanet 84, MedGen C3160739, MONDO:0010953, OMIM 600901.

Submission:

Labcorp Genetics (formerly Invitae), Labcorp
Classification: Uncertain significance for Fanconi anemia complementation group E. Last evaluated: 2021-10-11. Review status: criteria provided, single submitter. Criteria: Invitae Variant Classification Sherloc (09022015). Collection method: clinical testing. Allele origin: germline.
Comment: In summary, the available evidence is currently insufficient to determine the role of this variant in disease. Therefore, it has been classified as a Variant of Uncertain Significance. Algorithms developed to predict the effect of missense changes on protein structure and function output the following: SIFT: "Tolerated"; PolyPhen-2: "Benign"; Align-GVGD: "Class C0". The phenylalanine amino acid residue is found in multiple mammalian species, which suggests that this missense change does not adversely affect protein function. This variant has not been reported in the literature in individuals affected with FANCE-related conditions. The frequency data for this variant in the population databases is considered unreliable, as metrics indicate insufficient coverage at this position in the ExAC database. This sequence change replaces leucine with phenylalanine at codon 63 of the FANCE protein (p.Leu63Phe). The leucine residue is weakly conserved and there is a small physicochemical difference between leucine and phenylalanine.